The following is an entry in ClinVar:

NM_138694.4(PKHD1):c.5118C>T (p.Val1706=)

Genes: PKHD1 (PKHD1 ciliary IPT domain containing fibrocystin/polyductin; minus strand), LOC126859690 (MED14-independent group 3 enhancer GRCh37_chr6:51888848-51890047; plus strand). Cytogenetic location: 6p12.2.
Variant type: single nucleotide variant.
Coding change: c.5118C>T on transcript NM_138694.4 (MANE Select); coding-DNA position 5118, C replaced by T.
Protein change: p.Val1706=; no amino-acid change (valine 1706 retained).
Molecular consequence: synonymous variant.
Genome position (GRCh38, 1-based): chr6:52,024,692, G>A on the plus strand (C>T on the coding strand, the complement: PKHD1 is on the minus strand). VCF-style: chr6-52024692-G-A. GRCh37 (hg19) VCF-style: chr6-51889490-G-A.
Other names: c.5118C>T (NM_138694.3); c.5118C>T, p.Val1706= (NM_170724.3).
Identifiers: ClinVar variation 2154247 (VCV002154247.5), dbSNP rs2532687308, ClinGen allele CA450418756.

ClinVar aggregate classification (germline): Likely benign. Review status: criteria provided, multiple submitters, no conflicts (2 of 4 stars). 2 submissions from 2 submitters: Likely benign (2). Last evaluated 2026-02-19.

Conditions:
Autosomal recessive polycystic kidney disease (ARPKD). Also called: AR polycystic kidney disease. Identifiers: Orphanet 731, Orphanet 8378, MedGen C0085548, MeSH D017044, MONDO:0009889.
PKHD1-related disorder. Also called: PKHD1-related condition.

Allele frequency attached by ClinVar (database versions not stated): gnomAD exomes below 0.00001.
gnomAD v4.1: 2 of 1,614,164 alleles (0.00012%); highest among the groups gnomAD compares: Non-Finnish European, 0.000085%; no homozygotes.

Submissions (2):

PreventionGenetics, part of Exact Sciences
Classification: Likely benign for PKHD1-related condition. Last evaluated: 2026-02-19. Review status: criteria provided, single submitter. Criteria: ACMG Guidelines, 2015. Collection method: clinical testing. Allele origin: germline.
Comment: This variant is classified as likely benign based on ACMG/AMP sequence variant interpretation guidelines (Richards et al. 2015 PMID: 25741868, with internal and published modifications).

Labcorp Genetics (formerly Invitae), Labcorp
Classification: Likely benign for Autosomal recessive polycystic kidney disease. Last evaluated: 2022-03-18. Review status: criteria provided, single submitter. Criteria: Invitae Variant Classification Sherloc (09022015). Collection method: clinical testing. Allele origin: germline.